The following is an entry in ClinVar:

NM_004991.4(MECOM):c.1426C>T (p.Pro476Ser)

Gene: MECOM (MDS1 and EVI1 complex locus; minus strand). Cytogenetic location: 3q26.2.
Variant type: single nucleotide variant.
Coding change: c.1426C>T on transcript NM_004991.4 (MANE Select); coding-DNA position 1426, C replaced by T.
Protein change: p.Pro476Ser; replaces proline 476 with serine.
Molecular consequence: missense variant. On other transcripts: intron variant (2).
Genome position (GRCh38, 1-based): chr3:169,116,446, G>A on the plus strand (C>T on the coding strand, the complement: MECOM is on the minus strand). VCF-style: chr3-169116446-G-A. GRCh37 (hg19) VCF-style: chr3-168834234-G-A.
Other names: c.1057C>T, p.Pro353Ser (NM_001105077.4); c.862C>T, p.Pro288Ser (NM_001105078.4, NM_001164000.2, NM_001205194.2 and 4 more transcripts); c.865C>T, p.Pro289Ser (NM_001163999.2, NM_001366467.2, NM_001366468.2 and 1 more transcripts); c.1426C>T, p.Pro476Ser (NM_001366466.2); c.1133-679C>T (NM_001366473.2); c.569-679C>T (NM_001366474.2); c.1426C>T (NM_004991.3); short protein forms P353S, P476S, P288S, P289S.
Identifiers: ClinVar variation 2818635 (VCV002818635.4), dbSNP rs1406835103, ClinGen allele CA355062412.

ClinVar aggregate classification (germline): Uncertain significance. Review status: criteria provided, multiple submitters, no conflicts (2 of 4 stars). 2 submissions from 2 submitters: Uncertain significance (2). Last evaluated 2025-07-13.

Conditions:
Inborn genetic diseases. Identifiers: MedGen C0950123, MeSH D030342.

Allele frequency attached by ClinVar (database versions not stated): TOPMed 0.00001.
gnomAD v4.1: 5 of 1,614,178 alleles (0.00031%); highest among the groups gnomAD compares: Non-Finnish European, 0.00042%; no homozygotes.

Submissions (2):

Ambry Genetics
Classification: Uncertain significance for Inborn genetic diseases. Last evaluated: 2025-07-13. Review status: criteria provided, single submitter. Criteria: Ambry Variant Classification Scheme 2023. Collection method: clinical testing. Allele origin: germline.
Comment: The p.P476S variant (also known as c.1426C>T), located in coding exon 8 of the MECOM gene, results from a C to T substitution at nucleotide position 1426. The proline at codon 476 is replaced by serine, an amino acid with similar properties. This amino acid position is conserved. In addition, this alteration is predicted to be tolerated by in silico analysis. Based on the available evidence, the clinical significance of this variant remains unclear.

Labcorp Genetics (formerly Invitae), Labcorp
Classification: Uncertain significance. Last evaluated: 2022-12-04. Review status: criteria provided, single submitter. Criteria: Invitae Variant Classification Sherloc (09022015). Collection method: clinical testing. Allele origin: germline.
Comment: This variant is not present in population databases (gnomAD no frequency). In summary, the available evidence is currently insufficient to determine the role of this variant in disease. Therefore, it has been classified as a Variant of Uncertain Significance. Algorithms developed to predict the effect of missense changes on protein structure and function output the following: SIFT: "Tolerated"; PolyPhen-2: "Benign"; Align-GVGD: "Class C0". The serine amino acid residue is found in multiple mammalian species, which suggests that this missense change does not adversely affect protein function. This variant has not been reported in the literature in individuals affected with MECOM-related conditions. This sequence change replaces proline, which is neutral and non-polar, with serine, which is neutral and polar, at codon 288 of the MECOM protein (p.Pro288Ser).